The following is an entry in ClinVar:

NM_018723.4(RBFOX1):c.1072-2A>G

Gene: RBFOX1 (RNA binding fox-1 homolog 1; plus strand). Cytogenetic location: 16p13.3.
Variant type: single nucleotide variant.
Coding change: c.1072-2A>G on transcript NM_018723.4 (MANE Select); the canonical splice acceptor site of the intron before coding-DNA position 1072, A replaced by G.
Molecular consequence: splice acceptor variant. On other transcripts: 3 prime UTR variant (5), intron variant (1).
Genome position (GRCh38, 1-based): chr16:7,710,621, A>G. VCF-style: chr16-7710621-A-G. GRCh37 (hg19) VCF-style: chr16-7760623-A-G.
Other names: c.*980A>G (NM_001415889.1, NM_001415890.1); c.*1050A>G (NM_001415894.1, NM_001415899.1, NM_001415914.1); c.1722-2A>G (NM_001415887.1); c.1588-2A>G (NM_001415888.1); c.1125-2A>G (NM_001364800.2); c.991-2A>G (NM_001142333.2); c.1254-2A>G (NM_001415895.1); c.1201-2A>G (NM_001415891.1); and 25 more.
Identifiers: ClinVar variation 2838768 (VCV002838768.3), dbSNP rs2510616525, ClinGen allele CA394796030.

ClinVar aggregate classification (germline): Uncertain significance (1 of 4 stars; one submission).

Conditions:
Idiopathic generalized epilepsy. Also called: EIG; Generalised epilepsy. Identifiers: MedGen C0270850, MONDO:0005579, OMIM 600669.

Submission:

Labcorp Genetics (formerly Invitae), Labcorp
Classification: Uncertain significance for Idiopathic generalized epilepsy. Last evaluated: 2023-02-18. Review status: criteria provided, single submitter. Criteria: Invitae Variant Classification Sherloc (09022015). Collection method: clinical testing. Allele origin: germline.
Comment: This variant has not been reported in the literature in individuals affected with RBFOX1-related conditions. Variants that disrupt the consensus splice site are a relatively common cause of aberrant splicing (PMID: 17576681, 9536098). Algorithms developed to predict the effect of sequence changes on RNA splicing suggest that this variant may disrupt the consensus splice site. In summary, the available evidence is currently insufficient to determine the role of this variant in disease. Therefore, it has been classified as a Variant of Uncertain Significance. This variant is not present in population databases (gnomAD no frequency). This sequence change falls in intron 12 of the RBFOX1 gene. It does not directly change the encoded amino acid sequence of the RBFOX1 protein. It affects a nucleotide within the consensus splice site.

Literature cited by the submitters: PubMed 17576681; PubMed 9536098.